The following is an entry in ClinVar:

ClinVar aggregate classification (germline): Uncertain significance. Review status: criteria provided, multiple submitters, no conflicts (2 of 4 stars). 2 submissions from 2 submitters: Uncertain significance (2). Last evaluated 2022-07-26.

Conditions:
Multiple gastrointestinal atresias. Also called: Multiple intestinal atresia; FAMILIAL INTESTINAL POLYATRESIA SYNDROME. Identifiers: Orphanet 2300, MedGen C0220744, MONDO:0009465.

Allele frequency attached by ClinVar (database versions not stated): TOPMed 0.00002.
gnomAD v4.1: 17 of 1,614,046 alleles (0.0011%); highest among the groups gnomAD compares: Non-Finnish European, 0.0014%; no homozygotes.

Submissions (2):

Blueprint Genetics
Classification: Uncertain significance. Last evaluated: 2022-07-26. Review status: criteria provided, single submitter. Criteria: ACMG Guidelines, 2015. Collection method: clinical testing. Allele origin: germline.

Labcorp Genetics (formerly Invitae), Labcorp
Classification: Uncertain significance for Multiple gastrointestinal atresias. Last evaluated: 2021-09-24. Review status: criteria provided, single submitter. Criteria: Invitae Variant Classification Sherloc (09022015). Collection method: clinical testing. Allele origin: germline.
Comment: This sequence change replaces alanine with threonine at codon 568 of the TTC7A protein (p.Ala568Thr). The alanine residue is weakly conserved and there is a small physicochemical difference between alanine and threonine. This variant is not present in population databases (ExAC no frequency). This variant has not been reported in the literature in individuals with TTC7A-related conditions. Algorithms developed to predict the effect of missense changes on protein structure and function (SIFT, PolyPhen-2, Align-GVGD) all suggest that this variant is likely to be tolerated, but these predictions have not been confirmed by published functional studies and their clinical significance is uncertain. In summary, the available evidence is currently insufficient to determine the role of this variant in disease. Therefore, it has been classified as a Variant of Uncertain Significance.

NM_020458.4(TTC7A):c.1702G>A (p.Ala568Thr)

Gene: TTC7A (tetratricopeptide repeat domain 7A; plus strand). Cytogenetic location: 2p21.
Variant type: single nucleotide variant.
Coding change: c.1702G>A on transcript NM_020458.4 (MANE Select); coding-DNA position 1702, G replaced by A.
Protein change: p.Ala568Thr; replaces alanine 568 with threonine.
Molecular consequence: missense variant.
Genome position (GRCh38, 1-based): chr2:47,029,284, G>A. VCF-style: chr2-47029284-G-A. GRCh37 (hg19) VCF-style: chr2-47256423-G-A.
Other names: c.1702G>A, p.Ala568Thr (NM_001288951.2); c.1600G>A, p.Ala534Thr (NM_001288953.2); c.640G>A, p.Ala214Thr (NM_001288955.2); short protein forms A214T, A568T, A534T.
Identifiers: ClinVar variation 1399858 (VCV001399858.7), dbSNP rs774511591, ClinGen allele CA346717307.
Genomic context (GRCh38, chr2:47,029,284, plus strand): 5'-ATCTCCAGTGCCATGGAGCAGCTGCAGGAGGCCCTGAAGGTACGCAAGGATGATGCCCAC[G>A]CCCTCCACCTGCTGGCACTGCTCTTCTCTGCCCAGAAGCACCACCAGCATGCCCTGGATG-3'
Protein context (NP_065191.2, residues 558-578): ALKVRKDDAH[Ala568Thr]LHLLALLFSA